The following is an entry in ClinVar:

ClinVar aggregate classification (germline): Likely benign (1 of 4 stars; one submission).

Submission:

CeGaT Center for Human Genetics Tuebingen
Classification: Likely benign. Last evaluated: 2026-09-01. Review status: criteria provided, single submitter. Criteria: CeGaT Center For Human Genetics Tuebingen Variant Classification Criteria Version 2. Collection method: clinical testing. Allele origin: germline. Affected: yes. Observed: 1 variant allele.
Comment: PLIN4: BP4, BP7

NM_001367868.2(PLIN4):c.1602C>T (p.Thr534=)

Gene: PLIN4 (perilipin 4; minus strand). Cytogenetic location: 19p13.3.
Variant type: single nucleotide variant.
Coding change: c.1602C>T on transcript NM_001367868.2 (MANE Select); coding-DNA position 1602, C replaced by T.
Protein change: p.Thr534=; no amino-acid change (threonine 534 retained).
Molecular consequence: synonymous variant.
Genome position (GRCh38, 1-based): chr19:4,512,358, G>A on the plus strand (C>T on the coding strand, the complement: PLIN4 is on the minus strand). VCF-style: chr19-4512358-G-A. GRCh37 (hg19) VCF-style: chr19-4512370-G-A.
Other names: c.1605C>T, p.Thr535= (NM_001393888.1, NM_001393889.1); c.1602C>T, p.Thr534= (NM_001393890.1, NM_001393891.1).
Identifiers: ClinVar variation 5041041 (VCV005041041.1).